The following is an entry in ClinVar:

NM_014974.3(DIP2C):c.1918A>C (p.Ser640Arg)

Gene: DIP2C (DIP2 acetate--CoA ligase C (putative); minus strand). Cytogenetic location: 10p15.3.
Variant type: single nucleotide variant.
Coding change: c.1918A>C on transcript NM_014974.3 (MANE Select); coding-DNA position 1918, A replaced by C.
Protein change: p.Ser640Arg; replaces serine 640 with arginine.
Molecular consequence: missense variant.
Genome position (GRCh38, 1-based): chr10:382,720, T>G on the plus strand (A>C on the coding strand, the complement: DIP2C is on the minus strand). VCF-style: chr10-382720-T-G. GRCh37 (hg19) VCF-style: chr10-428660-T-G.
Other names: c.1918A>C (NM_014974.2); short protein forms S640R.
Identifiers: ClinVar variation 1533348 (VCV001533348.10), dbSNP rs150975809, ClinGen allele CA5380695.
Genomic context (GRCh38, chr10:382,720, plus strand): 5'-CAGTGAGGGCCTCTGGCGAGCTGGCACAAGGACAGATGACCTCCTGTCGAAGGCCTTTAC[T>G]TTGGAAGACATTGAGAAATGCATCGCAAGAAGAAATAGACCCTAGAGTGAAAGAGGGACA-3'
Protein context (NP_055789.1, residues 630-650): SCDAFLNVFQ[Ser640Arg]KGLRQEVICP

ClinVar aggregate classification (germline): Likely benign. Review status: criteria provided, single submitter (1 of 4 stars). 2 submissions from 2 submitters: Likely benign (1). 1 of the submissions does not count toward it. Last evaluated 2026-01-08.

Conditions:
DIP2C-related disorder. Also called: DIP2C-related condition.

Allele frequency attached by ClinVar (database versions not stated): ESP Exome Variant Server 0.00008; gnomAD exomes 0.00008 and 0.00020; gnomAD 0.00011 and 0.00012; TOPMed 0.00011; ExAC 0.00014; 1000 Genomes Project 30x 0.00016; 1000 Genomes Project 0.00020.
gnomAD v4.1: 155 of 1,613,762 alleles (0.0096%); highest among the groups gnomAD compares: Admixed American, 0.012%; no homozygotes.

Submissions (2):

Labcorp Genetics (formerly Invitae), Labcorp
Classification: Likely benign. Last evaluated: 2026-01-08. Review status: criteria provided, single submitter. Criteria: Invitae Variant Classification Sherloc (09022015). Collection method: clinical testing. Allele origin: germline.

PreventionGenetics, part of Exact Sciences
Classification: Likely benign for DIP2C-related condition. Last evaluated: 2022-09-08. Review status: no assertion criteria provided. Collection method: clinical testing. Allele origin: germline. Not counted in ClinVar's aggregate classification.
Comment: This variant is classified as likely benign based on ACMG/AMP sequence variant interpretation guidelines (Richards et al. 2015 PMID: 25741868, with internal and published modifications).